The following is an entry in ClinVar:

NM_000540.3(RYR1):c.1999dup (p.Val667fs)

Gene: RYR1 (ryanodine receptor 1; plus strand). Cytogenetic location: 19q13.2.
Variant type: Duplication.
Coding change: c.1999dup on transcript NM_000540.3 (MANE Select); coding-DNA position 1999, one base duplicated (G; older notation c.1999dupG).
Protein change: p.Val667fs; shifts the reading frame from valine 667.
Molecular consequence: frameshift variant.
Genome position (GRCh38, 1-based): chr19:38,458,124, G duplicated; the last of 2 consecutive G bases (chr19:38,458,123-38,458,124); duplicating either gives the same sequence. VCF-style (leftmost placement, unchanged base first): chr19-38458122-T-TG. GRCh37 (hg19) VCF-style: chr19-38948762-T-TG.
Other names: c.1999dup, p.Val667fs (NM_001042723.2); short protein forms V667fs.
Identifiers: ClinVar variation 3075910 (VCV003075910.1), dbSNP rs2514041920, ClinGen allele CA2825002769.
Genomic context (GRCh38, chr19:38,458,122, plus strand): 5'-ACATCTTTGTGGGCCGAGCGGAAGGCACCACGCAGTACAGCAAATGGTACTTTGAGGTGA[T>TG]GGTGGACGAGGTGACTCCATTTCTGACAGCTCAGGCCACCCACTTGCGGGTGGGCTGGGC-3'

ClinVar aggregate classification (germline): Likely pathogenic (1 of 4 stars; one submission).

Conditions:
Central core myopathy (CMYO1A). Also called: CONGENITAL MYOPATHY 1A, AUTOSOMAL DOMINANT, WITH SUSCEPTIBILITY TO MALIGNANT HYPERTHERMIA; Central core disease; Myopathy, central fibrillar. Identifiers: Orphanet 597, MedGen C5830701, MONDO:0007294, OMIM 117000.

Submission:

Laboratory for Molecular Medicine, Mass General Brigham Personalized Medicine
Classification: Likely pathogenic for Central core myopathy. Last evaluated: 2022-11-03. Review status: criteria provided, single submitter. Criteria: ACMG Guidelines, 2015. Collection method: clinical testing. Allele origin: germline.
Comment: The p.Val667GlyfsX43 variant in RYR1 has not been reported in individuals with myopathy and was absent from large population studies. This variant is predicted to cause a frameshift, which alters the protein’s amino acid sequence beginning at position 667 and leads to a premature termination codon 43 amino acids downstream. Loss of function of the RYR1 gene is associated with myopathy, including central core disease, multi-mini core disease, centronuclear myopathy, and congenital fiber type disproportion. In summary, although additional studies are required to fully establish its clinical significance, this variant is likely pathogenic for RYR1-related myopathy in an autosomal recessive manner. ACMG/AMP Criteria applied: PVS1, PM2_supporting.